The following is an entry in ClinVar:

ClinVar aggregate classification (germline): Uncertain significance. Review status: criteria provided, multiple submitters, no conflicts (2 of 4 stars). 2 submissions from 2 submitters: Uncertain significance (2). Last evaluated 2024-01-24.

Conditions:
Distal hereditary motor neuropathy type 2. Identifiers: Orphanet 139525, MedGen C3711384, MeSH C580044, MONDO:0015352.

Allele frequency attached by ClinVar (database versions not stated): gnomAD exomes 0.00001.
gnomAD v4.1: 18 of 1,614,056 alleles (0.0011%); highest among the groups gnomAD compares: Non-Finnish European, 0.0014%; no homozygotes.

Submissions (2):

Labcorp Genetics (formerly Invitae), Labcorp
Classification: Uncertain significance for Distal hereditary motor neuropathy type 2. Last evaluated: 2024-01-24. Review status: criteria provided, single submitter. Criteria: Invitae Variant Classification Sherloc (09022015). Collection method: clinical testing. Allele origin: germline.
Comment: This sequence change replaces threonine, which is neutral and polar, with alanine, which is neutral and non-polar, at codon 799 of the FBXO38 protein (p.Thr799Ala). This variant is not present in population databases (gnomAD no frequency). This variant has not been reported in the literature in individuals affected with FBXO38-related conditions. ClinVar contains an entry for this variant (Variation ID: 1790605). Advanced modeling of protein sequence and biophysical properties (such as structural, functional, and spatial information, amino acid conservation, physicochemical variation, residue mobility, and thermodynamic stability) performed at Invitae indicates that this missense variant is not expected to disrupt FBXO38 protein function with a negative predictive value of 80%. In summary, the available evidence is currently insufficient to determine the role of this variant in disease. Therefore, it has been classified as a Variant of Uncertain Significance.

Ambry Genetics
Classification: Uncertain significance. Last evaluated: 2021-11-16. Review status: criteria provided, single submitter. Criteria: Ambry Variant Classification Scheme 2023. Collection method: clinical testing. Allele origin: germline.
Comment: The p.T799A variant (also known as c.2395A>G), located in coding exon 14 of the FBXO38 gene, results from an A to G substitution at nucleotide position 2395. The threonine at codon 799 is replaced by alanine, an amino acid with similar properties. This amino acid position is highly conserved in available vertebrate species. In addition, this alteration is predicted to be tolerated by in silico analysis. Since supporting evidence is limited at this time, the clinical significance of this alteration remains unclear.

NM_205836.3(FBXO38):c.2395A>G (p.Thr799Ala)

Gene: FBXO38 (F-box protein 38; plus strand). Cytogenetic location: 5q32.
Variant type: single nucleotide variant.
Coding change: c.2395A>G on transcript NM_205836.3 (MANE Select); coding-DNA position 2395, A replaced by G.
Protein change: p.Thr799Ala; replaces threonine 799 with alanine.
Molecular consequence: missense variant. On other transcripts: intron variant (1).
Genome position (GRCh38, 1-based): chr5:148,427,689, A>G. VCF-style: chr5-148427689-A-G. GRCh37 (hg19) VCF-style: chr5-147807252-A-G.
Other names: c.2395A>G, p.Thr799Ala (NM_030793.5); c.1918+1988A>G (NM_001271723.2); short protein forms T799A.
Identifiers: ClinVar variation 1790605 (VCV001790605.7), dbSNP rs1581281465, ClinGen allele CA361657695.